The following is an entry in ClinVar:

ClinVar aggregate classification (germline): Uncertain significance. Review status: criteria provided, multiple submitters, no conflicts (2 of 4 stars). 4 submissions from 4 submitters: Uncertain significance (4). Last evaluated 2025-10-21.

Conditions:
Hereditary cancer-predisposing syndrome. Also called: Neoplastic Syndromes, Hereditary; Hereditary Cancer Syndrome; Hereditary neoplastic syndrome; Tumor predisposition. Identifiers: Orphanet 140162, MedGen C0027672, MeSH D009386, MONDO:0015356.
Familial cancer of breast. Also called: BREAST CANCER, FAMILIAL; hereditary breast carcinoma; Hereditary breast cancer. Identifiers: Orphanet 227535, MedGen C0346153, MONDO:0016419, OMIM 114480. Disease mechanism: loss of function.

Allele frequency attached by ClinVar (database versions not stated): gnomAD exomes below 0.00001; ExAC 0.00001.
gnomAD v4.1: 2 of 1,595,290 alleles (0.00013%); highest among the groups gnomAD compares: South Asian, 0.0023%; no homozygotes.

Submissions (4):

Labcorp Genetics (formerly Invitae), Labcorp
Classification: Uncertain significance for Familial cancer of breast. Last evaluated: 2025-10-21. Review status: criteria provided, single submitter. Criteria: Invitae Variant Classification Sherloc (09022015). Collection method: clinical testing. Allele origin: germline.
Comment: This sequence change replaces glutamine, which is neutral and polar, with proline, which is neutral and non-polar, at codon 206 of the BARD1 protein (p.Gln206Pro). This variant is present in population databases (rs760718143, gnomAD 0.004%). This variant has not been reported in the literature in individuals affected with BARD1-related conditions. ClinVar contains an entry for this variant (Variation ID: 479176). An algorithm developed to predict the effect of missense changes on protein structure and function (PolyPhen-2) suggests that this variant is likely to be tolerated. In summary, the available evidence is currently insufficient to determine the role of this variant in disease. Therefore, it has been classified as a Variant of Uncertain Significance.

Ambry Genetics
Classification: Uncertain significance for Hereditary cancer-predisposing syndrome. Last evaluated: 2025-03-28. Review status: criteria provided, single submitter. Criteria: Ambry Variant Classification Scheme 2023. Collection method: clinical testing. Allele origin: germline.
Comment: The p.Q206P variant (also known as c.617A>C), located in coding exon 4 of the BARD1 gene, results from an A to C substitution at nucleotide position 617. The glutamine at codon 206 is replaced by proline, an amino acid with similar properties. This amino acid position is not well conserved in available vertebrate species. In addition, this alteration is predicted to be tolerated by in silico analysis. Since supporting evidence is limited at this time, the clinical significance of this alteration remains unclear.

Baylor Genetics
Classification: Uncertain significance for Familial cancer of breast. Last evaluated: 2024-03-05. Review status: criteria provided, single submitter. Criteria: ACMG Guidelines, 2015. Collection method: clinical testing. Allele origin: unknown.

Color Diagnostics, LLC DBA Color Health
Classification: Uncertain significance for Hereditary cancer-predisposing syndrome. Last evaluated: 2020-08-03. Review status: criteria provided, single submitter. Criteria: ACMG Guidelines, 2015. Collection method: clinical testing. Allele origin: germline.
Comment: This missense variant replaces glutamine with proline at codon 206 of the BARD1 protein. Computational prediction suggests that this variant may not impact protein structure and function (internally defined REVEL score threshold <= 0.5, PMID: 27666373). To our knowledge, functional studies have not been reported for this variant. This variant has not been reported in individuals affected with hereditary cancer in the literature. This variant has been identified in 1/231854 chromosomes in the general population by the Genome Aggregation Database (gnomAD). The available evidence is insufficient to determine the role of this variant in disease conclusively. Therefore, this variant is classified as a Variant of Uncertain Significance.

NM_000465.4(BARD1):c.617A>C (p.Gln206Pro)

Gene: BARD1 (BRCA1 associated RING domain 1; minus strand). Cytogenetic location: 2q35.
Variant type: single nucleotide variant.
Coding change: c.617A>C on transcript NM_000465.4 (MANE Select); coding-DNA position 617, A replaced by C.
Protein change: p.Gln206Pro; replaces glutamine 206 with proline.
Molecular consequence: missense variant. On other transcripts: non-coding transcript variant (2), intron variant (3).
Genome position (GRCh38, 1-based): chr2:214,781,257, T>G on the plus strand (A>C on the coding strand, the complement: BARD1 is on the minus strand). VCF-style: chr2-214781257-T-G. GRCh37 (hg19) VCF-style: chr2-215645981-T-G.
Other names: c.560A>C, p.Gln187Pro (NM_001282543.2); c.158+28155A>C (NM_001282548.2); c.215+15804A>C (NM_001282545.2); c.364+11040A>C (NM_001282549.2); short protein forms Q206P, Q187P.
Identifiers: ClinVar variation 479176 (VCV000479176.18), dbSNP rs760718143, ClinGen allele CA2090400.